The following is an entry in ClinVar:

NM_000137.4(FAH):c.277C>T (p.Gln93Ter)

Gene: FAH (fumarylacetoacetate hydrolase; plus strand). Cytogenetic location: 15q25.1.
Variant type: single nucleotide variant.
Coding change: c.277C>T on transcript NM_000137.4 (MANE Select); coding-DNA position 277, C replaced by T.
Protein change: p.Gln93Ter; replaces glutamine 93 with a stop codon.
Molecular consequence: nonsense.
Genome position (GRCh38, 1-based): chr15:80,159,840, C>T. VCF-style: chr15-80159840-C-T. GRCh37 (hg19) VCF-style: chr15-80452182-C-T.
Other names: c.277C>T, p.Gln93Ter (NM_001374377.1, NM_001374380.1); short protein forms Q93*.
Identifiers: ClinVar variation 4817558 (VCV004817558.1).

ClinVar aggregate classification (germline): Likely pathogenic (1 of 4 stars; one submission).

Conditions:
Tyrosinemia type I (TYRSN1). Also called: Tyrosinemia type 1; Fumarylacetoacetase deficiency; Deficiency of fumarylacetoacetase; HEPATORENAL TYROSINEMIA; FAH DEFICIENCY. Identifiers: Orphanet 882, MedGen C0268490, MONDO:0010161, OMIM 276700. Disease mechanism: loss of function.

Submission:

Natera, Inc.
Classification: Likely pathogenic for Tyrosinemia type I. Last evaluated: 2025-09-19. Review status: criteria provided, single submitter. Criteria: Natera Variant Classification Schema (03/2026). Collection method: clinical testing. Allele origin: germline.
Comment: The c.277C>T variant in FAH is a nonsense variant predicted to introduce a stop codon at amino acid 93. This variant is expected to result in nonsense mediated decay, truncation, or a dysfunctional protein product. This variant is rare in the general population with a frequency below the threshold expected for the associated phenotype(s). Given the available evidence, this variant is classified as Likely Pathogenic.